The following is an entry in ClinVar:

ClinVar aggregate classification (germline): Uncertain significance (1 of 4 stars; one submission).

Conditions:
Hereditary cancer-predisposing syndrome. Also called: Tumor predisposition; Hereditary neoplastic syndrome; Hereditary Cancer Syndrome; Neoplastic Syndromes, Hereditary. Identifiers: Orphanet 140162, MedGen C0027672, MeSH D009386, MONDO:0015356.

Submission:

Ambry Genetics
Classification: Uncertain significance for Hereditary cancer-predisposing syndrome. Last evaluated: 2025-04-17. Review status: criteria provided, single submitter. Criteria: Ambry Variant Classification Scheme 2023. Collection method: clinical testing. Allele origin: germline.
Comment: The p.E1751K variant (also known as c.5251G>A), located in coding exon 34 of the ATM gene, results from a G to A substitution at nucleotide position 5251. The glutamic acid at codon 1751 is replaced by lysine, an amino acid with similar properties. This amino acid position is conserved. In addition, the in silico prediction for this alteration is inconclusive. Based on the available evidence, the clinical significance of this variant remains unclear.

NM_000051.4(ATM):c.5251G>A (p.Glu1751Lys)

Gene: ATM (ATM serine/threonine kinase; plus strand). Cytogenetic location: 11q22.3.
Variant type: single nucleotide variant.
Coding change: c.5251G>A on transcript NM_000051.4 (MANE Select); coding-DNA position 5251, G replaced by A.
Protein change: p.Glu1751Lys; replaces glutamic acid 1751 with lysine.
Molecular consequence: missense variant.
Genome position (GRCh38, 1-based): chr11:108,301,721, G>A. VCF-style: chr11-108301721-G-A. GRCh37 (hg19) VCF-style: chr11-108172448-G-A.
Other names: c.5251G>A, p.Glu1751Lys (NM_001351834.2); short protein forms E1751K.
Identifiers: ClinVar variation 3963014 (VCV003963014.1).